The following is an entry in ClinVar:

ClinVar aggregate classification (germline): Uncertain significance (1 of 4 stars; one submission).

Submission:

GeneDx
Classification: Uncertain significance. Last evaluated: 2024-07-03. Review status: criteria provided, single submitter. Criteria: GeneDx Variant Classification Process June 2021. Collection method: clinical testing. Allele origin: germline. Affected: yes.
Comment: Not observed at significant frequency in large population cohorts (gnomAD); In silico analysis supports that this missense variant has a deleterious effect on protein structure/function; Has not been previously published as pathogenic or benign to our knowledge

NM_007118.4(TRIO):c.8417G>C (p.Arg2806Thr)

Gene: TRIO (trio Rho guanine nucleotide exchange factor; plus strand). Cytogenetic location: 5p15.2.
Variant type: single nucleotide variant.
Coding change: c.8417G>C on transcript NM_007118.4 (MANE Select); coding-DNA position 8417, G replaced by C.
Protein change: p.Arg2806Thr; replaces arginine 2806 with threonine.
Molecular consequence: missense variant. On other transcripts: non-coding transcript variant (1).
Genome position (GRCh38, 1-based): chr5:14,504,398, G>C. VCF-style: chr5-14504398-G-C. GRCh37 (hg19) VCF-style: chr5-14504507-G-C.
Other names: short protein forms R2806T.
Identifiers: ClinVar variation 3393865 (VCV003393865.1).